The following is an entry in ClinVar:

ClinVar aggregate classification (germline): Uncertain significance (1 of 4 stars; one submission).

Conditions:
Myasthenic syndrome, congenital, 22 (CMS22). Also called: PREPL DEFICIENCY. Identifiers: MedGen C4479088, MONDO:0044299, OMIM 616224.

gnomAD v4.1: 3 of 1,611,826 alleles (0.00019%); highest among the groups gnomAD compares: South Asian, 0.0022%; no homozygotes.

Submission:

Labcorp Genetics (formerly Invitae), Labcorp
Classification: Uncertain significance for Myasthenic syndrome, congenital, 22. Last evaluated: 2021-05-31. Review status: criteria provided, single submitter. Criteria: Invitae Variant Classification Sherloc (09022015). Collection method: clinical testing. Allele origin: germline.
Comment: This variant has not been reported in the literature in individuals with PREPL-related conditions. This variant is present in population databases (rs374720840, ExAC 0.006%). This sequence change replaces threonine with arginine at codon 246 of the PREPL protein (p.Thr246Arg). The threonine residue is highly conserved and there is a moderate physicochemical difference between threonine and arginine. Algorithms developed to predict the effect of missense changes on protein structure and function are either unavailable or do not agree on the potential impact of this missense change (SIFT: "Deleterious"; PolyPhen-2: "Benign"; Align-GVGD: "Class C0"). Algorithms developed to predict the effect of sequence changes on RNA splicing suggest that this variant may create or strengthen a splice site, but this prediction has not been confirmed by published transcriptional studies. In summary, the available evidence is currently insufficient to determine the role of this variant in disease. Therefore, it has been classified as a Variant of Uncertain Significance.

NM_001171613.2(PREPL):c.470C>G (p.Thr157Arg)

Gene: PREPL (prolyl endopeptidase like; minus strand). Cytogenetic location: 2p21.
Variant type: single nucleotide variant.
Coding change: c.470C>G on transcript NM_001171613.2 (MANE Select); coding-DNA position 470, C replaced by G.
Protein change: p.Thr157Arg; replaces threonine 157 with arginine.
Molecular consequence: missense variant.
Genome position (GRCh38, 1-based): chr2:44,342,432, G>C on the plus strand (C>G on the coding strand, the complement: PREPL is on the minus strand). VCF-style: chr2-44342432-G-C. GRCh37 (hg19) VCF-style: chr2-44569571-G-C.
Other names: c.737C>G, p.Thr246Arg (NM_001042385.2, NM_001042386.2, NM_001171603.1 and 4 more transcripts); c.470C>G, p.Thr157Arg (NM_001171617.1, NM_001374277.1); short protein forms T157R, T246R.
Identifiers: ClinVar variation 1495293 (VCV001495293.8), dbSNP rs374720840, ClinGen allele CA1641467.